The following is an entry in ClinVar:

ClinVar aggregate classification (germline): Uncertain significance. Review status: criteria provided, multiple submitters, no conflicts (2 of 4 stars). 2 submissions from 2 submitters: Uncertain significance (2). Last evaluated 2024-12-14.

Allele frequency attached by ClinVar (database versions not stated): gnomAD exomes 0.00003; ExAC 0.00004; TOPMed 0.00005; gnomAD 0.00007 and 0.00008; ESP Exome Variant Server 0.00015.

Submissions (2):

Ambry Genetics
Classification: Uncertain significance. Last evaluated: 2024-12-14. Review status: criteria provided, single submitter. Criteria: Ambry Variant Classification Scheme 2023. Collection method: clinical testing. Allele origin: germline.

Labcorp Genetics (formerly Invitae), Labcorp
Classification: Uncertain significance. Last evaluated: 2024-10-07. Review status: criteria provided, single submitter. Criteria: Invitae Variant Classification Sherloc (09022015). Collection method: clinical testing. Allele origin: germline.
Comment: This sequence change replaces alanine, which is neutral and non-polar, with valine, which is neutral and non-polar, at codon 223 of the FZD2 protein (p.Ala223Val). This variant is present in population databases (rs368248456, gnomAD 0.006%). This variant has not been reported in the literature in individuals affected with FZD2-related conditions. ClinVar contains an entry for this variant (Variation ID: 1378140). Invitae Evidence Modeling of protein sequence and biophysical properties (such as structural, functional, and spatial information, amino acid conservation, physicochemical variation, residue mobility, and thermodynamic stability) indicates that this missense variant is not expected to disrupt FZD2 protein function with a negative predictive value of 80%. In summary, the available evidence is currently insufficient to determine the role of this variant in disease. Therefore, it has been classified as a Variant of Uncertain Significance.

NM_001466.4(FZD2):c.668C>T (p.Ala223Val)

Gene: FZD2 (frizzled class receptor 2; plus strand). Cytogenetic location: 17q21.31.
Variant type: single nucleotide variant.
Coding change: c.668C>T on transcript NM_001466.4 (MANE Select); coding-DNA position 668, C replaced by T.
Protein change: p.Ala223Val; replaces alanine 223 with valine.
Molecular consequence: missense variant.
Genome position (GRCh38, 1-based): chr17:44,558,356, C>T. VCF-style: chr17-44558356-C-T. GRCh37 (hg19) VCF-style: chr17-42635724-C-T.
Other names: c.668C>T (NM_001466.3); short protein forms A223V.
Identifiers: ClinVar variation 1378140 (VCV001378140.8), dbSNP rs368248456, ClinGen allele CA8604689.